The following is an entry in ClinVar:

NC_000011.9:g.(78180360_78189483)_(78189730_78204108)del

Gene: NARS2 (asparaginyl-tRNA synthetase 2, mitochondrial; minus strand). Cytogenetic location: 11q14.1.
Variant type: Deletion.
Identifiers: ClinVar variation 2682376 (VCV002682376.1).

ClinVar aggregate classification (germline): Pathogenic (1 of 4 stars; one submission).

Conditions:
Combined oxidative phosphorylation defect type 24. Also called: Combined oxidative phosphorylation deficiency 24. Identifiers: Orphanet 444458, MedGen C4015643, MONDO:0014547, OMIM 616239.

Submission:

Women's Health and Genetics/Laboratory Corporation of America, LabCorp
Classification: Pathogenic for Combined oxidative phosphorylation defect type 24. Last evaluated: 2023-11-07. Review status: criteria provided, single submitter. Criteria: LabCorp Variant Classification Summary - May 2015. Collection method: clinical testing. Allele origin: germline.
Comment: Variant summary: The variant identified by MLPA or other technology involves the deletion of exons 8-9 in the NARS2 gene. A presumed nomenclature of c.(822+1_823-1)_(959+1_960-1)del has been designated for the purposes of this classification. Although exact breakpoints of this deletion are not known, it is expected to result in a frameshift in the NARS2 gene and to undergo nonsense mediated decay, a known mechanism of disease. The variant allele was found at a frequency of 0.00046 in 21694 control chromosomes (gnomAD, structural variants dataset). c.(822+1_823-1)_(959+1_960-1)del has been reported in the literature in the compound heterozygous state in individuals affected with clinical phenotypes consistent with Combined Oxidative Phosphorylation Deficiency 24 (e.g. Wang_2016, Kistol_2023). These data indicate that the variant is likely to be associated with disease. To our knowledge, no experimental evidence demonstrating an impact on protein function has been reported. The following publications have been ascertained in the context of this evaluation (PMID: 36675121, 26402642). Three submitters have cited clinical-significance assessments for this variant to ClinVar after 2014. All submitters classified the variant as pathogenic/likely pathogenic. Based on the evidence outlined above, the variant was classified as pathogenic.

Literature cited by the submitters: PubMed 36675121; PubMed 26402642.